The following is an entry in ClinVar:

ClinVar aggregate classification (germline): Uncertain significance (1 of 4 stars; one submission).

Conditions:
Immunodeficiency, common variable, 7. Identifiers: Orphanet 1572, Orphanet 696894, MedGen C3542922, MONDO:0013862, OMIM 614699.

Allele frequency attached by ClinVar (database versions not stated): gnomAD exomes below 0.00001.

Submission:

Labcorp Genetics (formerly Invitae), Labcorp
Classification: Uncertain significance for Immunodeficiency, common variable, 7. Last evaluated: 2022-07-06. Review status: criteria provided, single submitter. Criteria: Invitae Variant Classification Sherloc (09022015). Collection method: clinical testing. Allele origin: germline.
Comment: This sequence change replaces cysteine, which is neutral and slightly polar, with tyrosine, which is neutral and polar, at codon 495 of the CR2 protein (p.Cys495Tyr). This variant is not present in population databases (gnomAD no frequency). This variant has not been reported in the literature in individuals affected with CR2-related conditions. Algorithms developed to predict the effect of missense changes on protein structure and function are either unavailable or do not agree on the potential impact of this missense change (SIFT: "Tolerated"; PolyPhen-2: "Probably Damaging"; Align-GVGD: "Class C0"). In summary, the available evidence is currently insufficient to determine the role of this variant in disease. Therefore, it has been classified as a Variant of Uncertain Significance.

NM_001006658.3(CR2):c.1484G>A (p.Cys495Tyr)

Gene: CR2 (complement C3d receptor 2; plus strand). Cytogenetic location: 1q32.2.
Variant type: single nucleotide variant.
Coding change: c.1484G>A on transcript NM_001006658.3 (MANE Select); coding-DNA position 1484, G replaced by A.
Protein change: p.Cys495Tyr; replaces cysteine 495 with tyrosine.
Molecular consequence: missense variant.
Genome position (GRCh38, 1-based): chr1:207,471,078, G>A. VCF-style: chr1-207471078-G-A. GRCh37 (hg19) VCF-style: chr1-207644423-G-A.
Other names: c.1484G>A, p.Cys495Tyr (NM_001877.5); short protein forms C495Y.
Identifiers: ClinVar variation 2201752 (VCV002201752.4), dbSNP rs2527218181, ClinGen allele CA344531168.